The following is an entry in ClinVar:

ClinVar aggregate classification (germline): Conflicting classifications of pathogenicity. Review status: criteria provided, conflicting classifications (1 of 4 stars). 3 submissions from 3 submitters: Likely pathogenic (1); Uncertain significance (2). Last evaluated 2025-07-29.

Conditions:
Malignant hyperthermia, susceptibility to, 1 (MHS1). Also called: Anesthesia related hyperthermia; Malignant hyperpyrexia; Fulminating hyperpyrexia; Pharmacogenic myopathy; Malignant hyperthermia suceptibility 1; RYR1-Related Malignant Hyperthermia Susceptibility. Identifiers: Orphanet 423, MedGen C2930980, MONDO:0007783, OMIM 145600.
RYR1-related disorder. Also called: RYR1-related disorders; RYR1-related condition. Identifiers: MedGen CN239331.

gnomAD v4.1: 8 of 1,613,882 alleles (0.0005%); highest among the groups gnomAD compares: South Asian, 0.0044%; no homozygotes.

Submissions (3):

GeneDx
Classification: Uncertain significance. Last evaluated: 2025-07-29. Review status: criteria provided, single submitter. Criteria: GeneDx Variant Classification Process June 2021. Collection method: clinical testing. Allele origin: germline. Affected: yes.
Comment: Not observed at significant frequency in large population cohorts (gnomAD); In silico analysis supports that this missense variant has a deleterious effect on protein structure/function; Has not been previously published as pathogenic or benign to our knowledge

All of Us Research Program, National Institutes of Health
Classification: Uncertain significance for Malignant hyperthermia, susceptibility to, 1. Last evaluated: 2024-03-05. Review status: criteria provided, single submitter. Criteria: ACMG Guidelines, 2015. Collection method: clinical testing. Allele origin: germline. Inheritance: Autosomal dominant inheritance. Observed: 1 variant allele, 1 heterozygote.
Comment: This study involves interpretation of variants in research participants for the purpose of population health screening. Participant phenotype was not available at the time of variant classification. Additional details can be found in publication PMID: 35346344, PMCID: PMC8962531

Labcorp Genetics (formerly Invitae), Labcorp
Classification: Likely pathogenic for RYR1-related disorder. Last evaluated: 2023-10-19. Review status: criteria provided, single submitter. Criteria: Invitae Variant Classification Sherloc (09022015). Collection method: clinical testing. Allele origin: germline.
Comment: This sequence change replaces proline, which is neutral and non-polar, with histidine, which is basic and polar, at codon 1267 of the RYR1 protein (p.Pro1267His). This variant is present in population databases (rs150495044, gnomAD 0.006%). This variant has not been reported in the literature in individuals affected with RYR1-related conditions. ClinVar contains an entry for this variant (Variation ID: 1691757). Advanced modeling of protein sequence and biophysical properties (such as structural, functional, and spatial information, amino acid conservation, physicochemical variation, residue mobility, and thermodynamic stability) performed at Invitae indicates that this missense variant is expected to disrupt RYR1 protein function. This variant disrupts the p.Pro1267 amino acid residue in RYR1. Other variant(s) that disrupt this residue have been determined to be pathogenic (PMID: 23919265, 26841830, 27066551; Invitae). This suggests that this residue is clinically significant, and that variants that disrupt this residue are likely to be disease-causing. In summary, the currently available evidence indicates that the variant is pathogenic, but additional data are needed to prove that conclusively. Therefore, this variant has been classified as Likely Pathogenic.

Literature cited by the submitters: PubMed 23919265 (cited by Labcorp Genetics (formerly Invitae), Labcorp); PubMed 26841830 (cited by Labcorp Genetics (formerly Invitae), Labcorp); PubMed 27066551 (cited by Labcorp Genetics (formerly Invitae), Labcorp).

NM_000540.3(RYR1):c.3800C>A (p.Pro1267His)

Gene: RYR1 (ryanodine receptor 1; plus strand). Cytogenetic location: 19q13.2.
Variant type: single nucleotide variant.
Coding change: c.3800C>A on transcript NM_000540.3 (MANE Select); coding-DNA position 3800, C replaced by A.
Protein change: p.Pro1267His; replaces proline 1267 with histidine.
Molecular consequence: missense variant.
Genome position (GRCh38, 1-based): chr19:38,473,411, C>A. VCF-style: chr19-38473411-C-A. GRCh37 (hg19) VCF-style: chr19-38964051-C-A.
Other names: c.3800C>A, p.Pro1267His (NM_001042723.2); short protein forms P1267H.
Identifiers: ClinVar variation 1691757 (VCV001691757.7), dbSNP rs150495044, ClinGen allele CA065201.
Genomic context (GRCh38, chr19:38,473,411, plus strand): 5'-CAGTACTCCATTCCCTGCCACCTCAGGTATCCCGAGTGGACGGCACTGTGGACACGCCCC[C>A]CTGCCTGCGCCTGACCCACCGCACCTGGGGCTCCCAGAACAGCCTGGTGGAGATGCTTTT-3'
Protein context (NP_000531.2, residues 1257-1277): SRVDGTVDTP[Pro1267His]CLRLTHRTWG